The following is an entry in ClinVar:

NM_007192.4(SUPT16H):c.34C>T (p.Arg12Trp)

Gene: SUPT16H (SPT16 homolog, facilitates chromatin remodeling subunit; minus strand). Cytogenetic location: 14q11.2.
Variant type: single nucleotide variant.
Coding change: c.34C>T on transcript NM_007192.4 (MANE Select); coding-DNA position 34, C replaced by T.
Protein change: p.Arg12Trp; replaces arginine 12 with tryptophan.
Molecular consequence: missense variant.
Genome position (GRCh38, 1-based): chr14:21,383,894, G>A on the plus strand (C>T on the coding strand, the complement: SUPT16H is on the minus strand). VCF-style: chr14-21383894-G-A. GRCh37 (hg19) VCF-style: chr14-21852053-G-A.
Other names: short protein forms R12W.
Identifiers: ClinVar variation 3377245 (VCV003377245.1).
Genomic context (GRCh38, chr14:21,383,894, plus strand): 5'-CTAGGAAAAATTACAGGATCTTCCTCACCCGCCAATTGCTGTACAGTCTCTTCACTCGCC[G>A]ATAATAAGCGTCTTTGTCCAGAGTCACAGCCATAGCCCCGGACGCCGCTTCTCCTCGGGT-3'
Protein context (NP_009123.1, residues 2-22): AVTLDKDAYY[Arg12Trp]RVKRLYSNWR

ClinVar aggregate classification (germline): Uncertain significance (1 of 4 stars; one submission).

Conditions:
Neurodevelopmental disorder with dysmorphic facies and thin corpus callosum. Identifiers: MedGen C5551361, MONDO:0859179, OMIM 619480.

Submission:

Victorian Clinical Genetics Services, Murdoch Childrens Research Institute
Classification: Uncertain significance for Neurodevelopmental disorder with dysmorphic facies and thin corpus callosum. Last evaluated: 2024-10-09. Review status: criteria provided, single submitter. Criteria: ACMG Guidelines, 2015. Collection method: clinical testing. Allele origin: germline. Inheritance: Autosomal dominant inheritance. Affected: yes.
Comment: Based on the classification scheme VCGS_Germline_v1.3.4, this variant is classified as VUS-3A. Following criteria are met: 0105 - The mechanism of disease for this gene is not clearly established. Knockdown studies in Drosophila have suggested that loss of function is a mechanism of disease in this gene (PMID: 36255738). (I) 0107 - This gene is associated with autosomal dominant disease. (I) 0200 - Variant is predicted to result in a missense amino acid change from arginine to tryptophan. (I) 0251 - This variant is heterozygous. (I) 0301 - Variant is absent from gnomAD (both v2 and v3). (SP) 0501 - Missense variant consistently predicted to be damaging by multiple in silico tools or highly conserved with a major amino acid change. (SP) 0600 - Variant is located in the annotated FACT complex subunit SPT16 N-terminal lobe domain (DECIPHER). (I) 0705 - No comparable missense variants have previous evidence for pathogenicity. (I) 0807 - This variant has no previous evidence of pathogenicity. (I) 0905 - No published segregation evidence has been identified for this variant. (I) 1007 - No published functional evidence has been identified for this variant. (SP) Legend: (SP) - Supporting pathogenic, (I) - Information, (SB) - Supporting benign

Literature cited by the submitters: PubMed 36255738.